The following is an entry in ClinVar:

ClinVar aggregate classification (germline): Pathogenic (1 of 4 stars; one submission).

Submission:

ISCA site 14
Classification: Pathogenic. Last evaluated: 2011-08-12. Review status: criteria provided, single submitter. Criteria: Kaminsky et al. (Genet Med. 2011). Collection method: clinical testing. Allele origin: unknown. Affected: yes. Observed: 2 variant alleles.
Comment: Copy number variation identified through the course of routine clinical cytogenomic testing in postnatal populations. Clinical assertions have been curated as described in Kaminsky et al. 2011.

GRCh38/hg38 3q22.3(chr3:138945182-138946841)x1

Gene: FOXL2 (forkhead box L2; minus strand). Cytogenetic location: 3q22.3.
Variant type: copy number loss.
Change: copy number 1 (one copy instead of two) of chr3:138,945,182-138,946,841 (1.7 kb, GRCh38 coordinates, 1-based), cytogenetic band 3q22.3.
Identifiers: ClinVar variation 57833 (VCV000057833.1).